The following is an entry in ClinVar:

NM_004304.5(ALK):c.4249G>C (p.Asp1417His)

Gene: ALK (ALK receptor tyrosine kinase; minus strand). Cytogenetic location: 2p23.2.
Variant type: single nucleotide variant.
Coding change: c.4249G>C on transcript NM_004304.5 (MANE Select); coding-DNA position 4249, G replaced by C.
Protein change: p.Asp1417His; replaces aspartic acid 1417 with histidine.
Molecular consequence: missense variant.
Genome position (GRCh38, 1-based): chr2:29,193,838, C>G on the plus strand (G>C on the coding strand, the complement: ALK is on the minus strand). VCF-style: chr2-29193838-C-G. GRCh37 (hg19) VCF-style: chr2-29416704-C-G.
Other names: c.1045G>C, p.Asp349His (NM_001353765.2); short protein forms D1417H, D349H.
Identifiers: ClinVar variation 1053635 (VCV001053635.12), dbSNP rs1251673674, ClinGen allele CA346463069.

ClinVar aggregate classification (germline): Uncertain significance. Review status: criteria provided, multiple submitters, no conflicts (2 of 4 stars). 2 submissions from 2 submitters: Uncertain significance (2). Last evaluated 2026-06-16.

Conditions:
Hereditary cancer-predisposing syndrome. Also called: Tumor predisposition; Hereditary Cancer Syndrome; Hereditary neoplastic syndrome; Neoplastic Syndromes, Hereditary. Identifiers: Orphanet 140162, MedGen C0027672, MeSH D009386, MONDO:0015356.
Neuroblastoma, susceptibility to, 3. Also called: ALK-Related Neuroblastic Tumor Susceptibility. Identifiers: Orphanet 635, MedGen C2751681, MONDO:0013083, OMIM 613014.

Allele frequency attached by ClinVar (database versions not stated): TOPMed below 0.00001; gnomAD exomes below 0.00001.
gnomAD v4.1: 10 of 1,612,330 alleles (0.00062%); highest among the groups gnomAD compares: Non-Finnish European, 0.00085%; no homozygotes.

Submissions (2):

Ambry Genetics
Classification: Uncertain significance for Hereditary cancer-predisposing syndrome. Last evaluated: 2026-06-16. Review status: criteria provided, single submitter. Criteria: Ambry Variant Classification Scheme 2023. Collection method: clinical testing. Allele origin: germline.
Comment: The p.D1417H variant (also known as c.4249G>C), located in coding exon 29 of the ALK gene, results from a G to C substitution at nucleotide position 4249. The aspartic acid at codon 1417 is replaced by histidine, an amino acid with similar properties. This amino acid position is conserved. In addition, the in silico prediction for this alteration is inconclusive. Based on the available evidence, the clinical significance of this variant remains unclear.

Labcorp Genetics (formerly Invitae), Labcorp
Classification: Uncertain significance for Neuroblastoma, susceptibility to, 3. Last evaluated: 2025-04-23. Review status: criteria provided, single submitter. Criteria: Invitae Variant Classification Sherloc (09022015). Collection method: clinical testing. Allele origin: germline.
Comment: This sequence change replaces aspartic acid, which is acidic and polar, with histidine, which is basic and polar, at codon 1417 of the ALK protein (p.Asp1417His). This variant is present in population databases (no rsID available, gnomAD 0.0009%). This variant has not been reported in the literature in individuals affected with ALK-related conditions. ClinVar contains an entry for this variant (Variation ID: 1053635). An algorithm developed to predict the effect of missense changes on protein structure and function (PolyPhen-2) suggests that this variant is likely to be disruptive. In summary, the available evidence is currently insufficient to determine the role of this variant in disease. Therefore, it has been classified as a Variant of Uncertain Significance.